The following is an entry in ClinVar:

NM_005228.5(EGFR):c.2300C>T (p.Ala767Val)

Genes: EGFR-AS1 (EGFR antisense RNA 1; minus strand), EGFR (epidermal growth factor receptor; plus strand). Cytogenetic location: 7p11.2.
Variant type: single nucleotide variant.
Coding change: c.2300C>T on transcript NM_005228.5 (MANE Select); coding-DNA position 2300, C replaced by T.
Protein change: p.Ala767Val; replaces alanine 767 with valine.
Molecular consequence: missense variant. On other transcripts: non-coding transcript variant (1).
Genome position (GRCh38, 1-based): chr7:55,181,309, C>T. VCF-style: chr7-55181309-C-T. GRCh37 (hg19) VCF-style: chr7-55249002-C-T.
Other names: c.2165C>T, p.Ala722Val (NM_001346897.2, NM_001346899.2); c.2300C>T, p.Ala767Val (NM_001346898.2); c.2141C>T, p.Ala714Val (NM_001346900.2); c.1499C>T, p.Ala500Val (NM_001346941.2); short protein forms A767V, A500V, A714V, A722V.
Identifiers: ClinVar variation 45250 (VCV000045250.11), dbSNP rs397517107, ClinGen allele CA135837.

ClinVar aggregate classification (germline): Uncertain significance. Review status: criteria provided, multiple submitters, no conflicts (2 of 4 stars). 2 submissions from 2 submitters: Uncertain significance (2). Last evaluated 2020-10-26.

Conditions:
EGFR-related lung cancer (EGFR). Identifiers: MedGen CN130014.

Submissions (2):

Labcorp Genetics (formerly Invitae), Labcorp
Classification: Uncertain significance for EGFR-related lung cancer. Last evaluated: 2020-10-26. Review status: criteria provided, single submitter. Criteria: Invitae Variant Classification Sherloc (09022015). Collection method: clinical testing. Allele origin: germline.
Comment: In summary, the available evidence is currently insufficient to determine the role of this variant in disease. Therefore, it has been classified as a Variant of Uncertain Significance. Algorithms developed to predict the effect of sequence changes on RNA splicing suggest that this variant may create or strengthen a splice site, but this prediction has not been confirmed by published transcriptional studies. Algorithms developed to predict the effect of missense changes on protein structure and function are either unavailable or do not agree on the potential impact of this missense change (SIFT: "Tolerated"; PolyPhen-2: "Probably Damaging"; Align-GVGD: "Class C0"). This variant has not been reported in the literature in individuals with EGFR-related conditions. ClinVar contains an entry for this variant (Variation ID: 45250). This variant is not present in population databases (ExAC no frequency). This sequence change replaces alanine with valine at codon 767 of the EGFR protein (p.Ala767Val). The alanine residue is highly conserved and there is a small physicochemical difference between alanine and valine.

Laboratory for Molecular Medicine, Mass General Brigham Personalized Medicine
Classification: Uncertain significance. Last evaluated: 2011-05-13. Review status: criteria provided, single submitter. Criteria: LMM Criteria. Collection method: clinical testing. Allele origin: somatic. Observed: 1 variant allele.

Literature cited by the submitters: PubMed 15746034 (cited by Laboratory for Molecular Medicine, Mass General Brigham Personalized Medicine); PubMed 18497962 (cited by Laboratory for Molecular Medicine, Mass General Brigham Personalized Medicine).